The following is an entry in ClinVar:

ClinVar aggregate classification (germline): Conflicting classifications of pathogenicity. Review status: criteria provided, conflicting classifications (1 of 4 stars). 6 submissions from 6 submitters: Uncertain significance (5); Likely benign (1). Last evaluated 2025-09-16.

Conditions:
Hereditary cancer-predisposing syndrome. Also called: Neoplastic Syndromes, Hereditary; Hereditary neoplastic syndrome; Tumor predisposition; Hereditary Cancer Syndrome. Identifiers: Orphanet 140162, MedGen C0027672, MeSH D009386, MONDO:0015356.
Breast-ovarian cancer, familial, susceptibility to, 2 (BROVCA2). Also called: BRCA2 Hereditary Breast and Ovarian Cancer. Identifiers: Orphanet 145, MedGen C2675520, MONDO:0012933, OMIM 612555. Disease mechanism: loss of function.
Hereditary breast ovarian cancer syndrome. Also called: Breast and ovarian cancer; Hereditary breast and/or ovarian cancer syndrome; Hereditary breast and ovarian cancer; Hereditary breast and ovarian cancer syndrome; BRCA1- and BRCA2-Associated Hereditary Breast and Ovarian Cancer; Hereditary breast and ovarian cancer syndrome (HBOC). Identifiers: Orphanet 145, MedGen C0677776, MeSH D061325, MONDO:0003582. Disease mechanism: loss of function.

Allele frequency attached by ClinVar (database versions not stated): TOPMed below 0.00001; gnomAD exomes 0.00001 and 0.00002; ExAC 0.00002; gnomAD 0.00002 and 0.00003.
gnomAD v4.1: 8 of 1,606,852 alleles (0.0005%); no homozygotes.

Submissions (6):

Color Diagnostics, LLC DBA Color Health
Classification: Uncertain significance for Hereditary cancer-predisposing syndrome. Last evaluated: 2025-09-16. Review status: criteria provided, single submitter. Criteria: ACMG Guidelines, 2015. Collection method: clinical testing. Allele origin: germline.
Comment: This missense variant replaces histidine with tyrosine at codon 1856 of the BRCA2 protein. Computational prediction suggests that this variant may not impact protein structure and function. To our knowledge, functional studies have not been reported for this variant. This variant has been detected in a breast cancer case-control meta-analysis in 0/60466 cases and 1/53461 unaffected individuals (PMID: 33471991Leiden Open Variation Database DB-ID BRCA2_001461). This variant has been identified in 4/246344 chromosomes in the general population by the Genome Aggregation Database (gnomAD). The available evidence is insufficient to determine the role of this variant in disease conclusively. Therefore, this variant is classified as a Variant of Uncertain Significance.

Ambry Genetics
Classification: Uncertain significance for Hereditary cancer-predisposing syndrome. Last evaluated: 2025-08-06. Review status: criteria provided, single submitter. Criteria: Ambry Variant Classification Scheme 2023. Collection method: clinical testing. Allele origin: germline.
Comment: The p.H1856Y variant (also known as c.5566C>T), located in coding exon 10 of the BRCA2 gene, results from a C to T substitution at nucleotide position 5566. The histidine at codon 1856 is replaced by tyrosine, an amino acid with similar properties. This amino acid position is not well conserved in available vertebrate species. In addition, the in silico prediction for this alteration is inconclusive. Based on the available evidence, the clinical significance of this variant remains unclear.

Labcorp Genetics (formerly Invitae), Labcorp
Classification: Uncertain significance for Hereditary breast ovarian cancer syndrome. Last evaluated: 2025-07-31. Review status: criteria provided, single submitter. Criteria: Invitae Variant Classification Sherloc (09022015). Collection method: clinical testing. Allele origin: germline.
Comment: This sequence change replaces histidine, which is basic and polar, with tyrosine, which is neutral and polar, at codon 1856 of the BRCA2 protein (p.His1856Tyr). This variant is present in population databases (rs755791142, gnomAD 0.02%). This missense change has been observed in individual(s) with clinical features of BRCA2-related conditions (PMID: 21520333). ClinVar contains an entry for this variant (Variation ID: 841439). Invitae Evidence Modeling of protein sequence and biophysical properties (such as structural, functional, and spatial information, amino acid conservation, physicochemical variation, residue mobility, and thermodynamic stability) indicates that this missense variant is not expected to disrupt BRCA2 protein function with a negative predictive value of 95%. In summary, the available evidence is currently insufficient to determine the role of this variant in disease. Therefore, it has been classified as a Variant of Uncertain Significance.

All of Us Research Program, National Institutes of Health
Classification: Uncertain significance for Breast-ovarian cancer, familial, susceptibility to, 2. Last evaluated: 2023-11-09. Review status: criteria provided, single submitter. Criteria: ACMG Guidelines, 2015. Collection method: clinical testing. Allele origin: germline. Inheritance: Autosomal dominant inheritance. Observed: 1 variant allele, 1 heterozygote.
Comment: This study involves interpretation of variants in research participants for the purpose of population health screening. Participant phenotype was not available at the time of variant classification. Additional details can be found in publication PMID: 35346344, PMCID: PMC8962531

University of Washington Department of Laboratory Medicine, University of Washington
Classification: Likely benign for Hereditary cancer-predisposing syndrome. Last evaluated: 2023-03-23. Review status: criteria provided, single submitter. Criteria: Dines et al. (Genet Med. 2020). Collection method: curation. Allele origin: germline.
Comment: Missense variant in a coldspot region where missense variants are very unlikely to be pathogenic (PMID:31911673).

BRCA2 exon 11 coldspot. Reclassification based on statistical prior probability.

Genetic Services Laboratory, University of Chicago
Classification: Uncertain significance. Last evaluated: 2019-11-18. Review status: criteria provided, single submitter. Criteria: ACMG Guidelines, 2015. Collection method: clinical testing. Allele origin: germline. Affected: no.

Literature cited by the submitters: PubMed 33471991 (cited by Color Diagnostics, LLC DBA Color Health); PubMed 21520333 (cited by Labcorp Genetics (formerly Invitae), Labcorp).

NM_000059.4(BRCA2):c.5566C>T (p.His1856Tyr)

Gene: BRCA2 (BRCA2 DNA repair associated; plus strand). Cytogenetic location: 13q13.1.
Variant type: single nucleotide variant.
Coding change: c.5566C>T on transcript NM_000059.4 (MANE Select); coding-DNA position 5566, C replaced by T.
Protein change: p.His1856Tyr; replaces histidine 1856 with tyrosine.
Molecular consequence: missense variant.
Genome position (GRCh38, 1-based): chr13:32,339,921, C>T. VCF-style: chr13-32339921-C-T. GRCh37 (hg19) VCF-style: chr13-32914058-C-T.
Other names: short protein forms H1856Y.
Identifiers: ClinVar variation 841439 (VCV000841439.16), dbSNP rs755791142, ClinGen allele CA6940886.